The following is an entry in ClinVar:

NM_006939.4(SOS2):c.232T>C (p.Phe78Leu)

Gene: SOS2 (SOS Ras/Rho guanine nucleotide exchange factor 2; minus strand). Cytogenetic location: 14q21.3.
Variant type: single nucleotide variant.
Coding change: c.232T>C on transcript NM_006939.4 (MANE Select); coding-DNA position 232, T replaced by C.
Protein change: p.Phe78Leu; replaces phenylalanine 78 with leucine.
Molecular consequence: missense variant.
Genome position (GRCh38, 1-based): chr14:50,201,066, A>G on the plus strand (T>C on the coding strand, the complement: SOS2 is on the minus strand). VCF-style: chr14-50201066-A-G. GRCh37 (hg19) VCF-style: chr14-50667784-A-G.
Other names: c.232T>C, p.Phe78Leu (NM_001411020.1); short protein forms F78L.
Identifiers: ClinVar variation 4614992 (VCV004614992.1).

ClinVar aggregate classification (germline): Uncertain significance (1 of 4 stars; one submission).

Conditions:
Cardiovascular phenotype. Identifiers: MedGen CN230736.

gnomAD v4.1: 1 of 1,613,900 alleles (0.000062%); no homozygotes.

Submission:

Ambry Genetics
Classification: Uncertain significance for Cardiovascular phenotype. Last evaluated: 2025-11-15. Review status: criteria provided, single submitter. Criteria: Ambry Variant Classification Scheme 2023. Collection method: clinical testing. Allele origin: germline.
Comment: The p.F78L variant (also known as c.232T>C), located in coding exon 3 of the SOS2 gene, results from a T to C substitution at nucleotide position 232. The phenylalanine at codon 78 is replaced by leucine, an amino acid with highly similar properties. This amino acid position is conserved. In addition, this alteration is predicted to be deleterious by in silico analysis. Based on the available evidence, the clinical significance of this variant remains unclear.